The following is an entry in ClinVar:

ClinVar aggregate classification (germline): Uncertain significance (1 of 4 stars; one submission).

gnomAD v4.1: 1 of 1,613,198 alleles (0.000062%); highest among the groups gnomAD compares: Non-Finnish European, 0.000085%; no homozygotes.

Submission:

Labcorp Genetics (formerly Invitae), Labcorp
Classification: Uncertain significance. Last evaluated: 2024-06-08. Review status: criteria provided, single submitter. Criteria: Invitae Variant Classification Sherloc (09022015). Collection method: clinical testing. Allele origin: germline.
Comment: This sequence change replaces isoleucine, which is neutral and non-polar, with threonine, which is neutral and polar, at codon 1407 of the HMCN1 protein (p.Ile1407Thr). This variant is not present in population databases (gnomAD no frequency). This variant has not been reported in the literature in individuals affected with HMCN1-related conditions. An algorithm developed to predict the effect of missense changes on protein structure and function (PolyPhen-2) suggests that this variant is likely to be tolerated. In summary, the available evidence is currently insufficient to determine the role of this variant in disease. Therefore, it has been classified as a Variant of Uncertain Significance.

NM_031935.3(HMCN1):c.4220T>C (p.Ile1407Thr)

Gene: HMCN1 (hemicentin 1; plus strand). Cytogenetic location: 1q31.1.
Variant type: single nucleotide variant.
Coding change: c.4220T>C on transcript NM_031935.3 (MANE Select); coding-DNA position 4220, T replaced by C.
Protein change: p.Ile1407Thr; replaces isoleucine 1407 with threonine.
Molecular consequence: missense variant.
Genome position (GRCh38, 1-based): chr1:186,001,613, T>C. VCF-style: chr1-186001613-T-C. GRCh37 (hg19) VCF-style: chr1-185970745-T-C.
Other names: short protein forms I1407T.
Identifiers: ClinVar variation 3655160 (VCV003655160.2).
Genomic context (GRCh38, chr1:186,001,613, plus strand): 5'-ATTAGGATTGGAAATAACACTGACCATTTTGGCCCTTAAAGGTGACTGAAAGCAGCACTA[T>C]TCAGACTGTGAACAATGGGAAGATACTGAAGCTCTTCAGAGCCACTCCAGAGGATGCAGG-3'
Protein context (NP_114141.2, residues 1397-1417): DNVQVTESST[Ile1407Thr]QTVNNGKILK